The following is an entry in ClinVar:

ClinVar aggregate classification (germline): Benign. Review status: criteria provided, multiple submitters, no conflicts (2 of 4 stars). 2 submissions from 2 submitters: Benign (2). Last evaluated 2018-01-13.

Conditions:
Hirschsprung disease, susceptibility to, 4. Identifiers: Orphanet 388, MedGen C3150975, MONDO:0013384, OMIM 613712.

Allele frequency attached by ClinVar (database versions not stated): TOPMed 0.00335; 1000 Genomes Project 30x 0.00734; 1000 Genomes Project 0.00839.
gnomAD v4.1: 2,899 of 1,104,232 alleles (0.26%); highest among the groups gnomAD compares: East Asian, 5.9%; 103 homozygotes.

Submissions (2):

Illumina Laboratory Services, Illumina
Classification: Benign for Hirschsprung disease, susceptibility to, 4. Last evaluated: 2018-01-13. Review status: criteria provided, single submitter. Criteria: ICSL Variant Classification Criteria 13 December 2019. Collection method: clinical testing. Allele origin: germline.
Comment: This variant was observed in the ICSL laboratory as part of a predisposition screen in an ostensibly healthy population. It had not been previously curated by ICSL or reported in the Human Gene Mutation Database (HGMD: prior to June 1st, 2018), and was therefore a candidate for classification through an automated scoring system. Utilizing variant allele frequency, disease prevalence and penetrance estimates, and inheritance mode, an automated score was calculated to assess if this variant is too frequent to cause the disease. Based on the score and internal cut-off values, a variant classified as benign is not then subjected to further curation. The score for this variant resulted in a classification of benign for this disease.

Breakthrough Genomics
Classification: Benign. Review status: criteria provided, single submitter. Criteria: ACMG Guidelines, 2015. Collection method: not provided. Allele origin: germline. Inheritance: Autosomal recessive inheritance. Affected: yes.

NM_207034.3(EDN3):c.*146C>T

Gene: EDN3 (endothelin 3; plus strand). Cytogenetic location: 20q13.32.
Variant type: single nucleotide variant.
Coding change: c.*146C>T on transcript NM_207034.3 (MANE Select); 146 bases downstream of the stop codon, C replaced by T.
Molecular consequence: 3 prime UTR variant.
Genome position (GRCh38, 1-based): chr20:59,324,605, C>T. VCF-style: chr20-59324605-C-T. GRCh37 (hg19) VCF-style: chr20-57899660-C-T.
Other names: c.*270C>T (NM_001302455.2); c.*238C>T (NM_001302456.2, NM_207032.3); c.*146C>T (NM_207033.3).
Identifiers: ClinVar variation 339138 (VCV000339138.6), dbSNP rs11570352, ClinGen allele CA10650105.
Genomic context (GRCh38, chr20:59,324,605, plus strand): 5'-AAGTGAATTTGCCTGGGGCAGAACACCCACCCAAAGAGTCCCCACTTAACAATACCCCCC[C>T]CCCACGGCAAGAATGCCCAAATCCGAATGACCCCAGTTTTCCTAATGAGTAAAATGATCC-3'